The following is an entry in ClinVar:

ClinVar aggregate classification (germline): Uncertain significance (1 of 4 stars; one submission).

Conditions:
Walker-Warburg congenital muscular dystrophy. Also called: Muscular dystrophy-dystroglycanopathy, type A; Walker-Warburg syndrome. Identifiers: Orphanet 899, MedGen C0265221, MONDO:0000171.
Muscular dystrophy-dystroglycanopathy (congenital with impaired intellectual development), type B, 1. Also called: MUSCULAR DYSTROPHY, CONGENITAL, POMT1-RELATED; Muscular dystrophy-dystroglycanopathy (congenital with intellectual disability), type B1. Identifiers: MedGen C5436962, MONDO:0013159, OMIM 613155.
Autosomal recessive limb-girdle muscular dystrophy type 2K. Also called: MUSCULAR DYSTROPHY-DYSTROGLYCANOPATHY (LIMB-GIRDLE), TYPE C, 1; MUSCULAR DYSTROPHY, LIMB-GIRDLE, TYPE 2K. Identifiers: Orphanet 86812, MedGen C1836373, MONDO:0012248, OMIM 609308.

gnomAD v4.1: 1 of 1,614,128 alleles (0.000062%); highest among the groups gnomAD compares: Non-Finnish European, 0.000085%; no homozygotes.

Submission:

Labcorp Genetics (formerly Invitae), Labcorp
Classification: Uncertain significance for Muscular dystrophy-dystroglycanopathy (congenital with impaired intellectual development), type B, 1; Walker-Warburg congenital muscular dystrophy; Autosomal recessive limb-girdle muscular dystrophy type 2K. Last evaluated: 2025-07-03. Review status: criteria provided, single submitter. Criteria: Invitae Variant Classification Sherloc (09022015). Collection method: clinical testing. Allele origin: germline.
Comment: This sequence change replaces methionine, which is neutral and non-polar, with isoleucine, which is neutral and non-polar, at codon 657 of the POMT1 protein (p.Met657Ile). This variant is present in population databases (rs143617656, gnomAD 0.007%). This variant has not been reported in the literature in individuals affected with POMT1-related conditions. Invitae Evidence Modeling of protein sequence and biophysical properties (such as structural, functional, and spatial information, amino acid conservation, physicochemical variation, residue mobility, and thermodynamic stability) indicates that this missense variant is not expected to disrupt POMT1 protein function with a negative predictive value of 80%. Algorithms developed to predict the effect of sequence changes on RNA splicing suggest that this variant may disrupt the consensus splice site. In summary, the available evidence is currently insufficient to determine the role of this variant in disease. Therefore, it has been classified as a Variant of Uncertain Significance.

NM_001077365.2(POMT1):c.1905G>A (p.Met635Ile)

Gene: POMT1 (protein O-mannosyltransferase 1; plus strand). Cytogenetic location: 9q34.13.
Variant type: single nucleotide variant.
Coding change: c.1905G>A on transcript NM_001077365.2 (MANE Select); coding-DNA position 1905, G replaced by A.
Protein change: p.Met635Ile; replaces methionine 635 with isoleucine.
Molecular consequence: missense variant. On other transcripts: non-coding transcript variant (10).
Genome position (GRCh38, 1-based): chr9:131,522,126, G>A. VCF-style: chr9-131522126-G-A. GRCh37 (hg19) VCF-style: chr9-134397513-G-A.
Other names: c.1743G>A, p.Met581Ile (NM_001077366.2, NM_001353194.2); c.1905G>A, p.Met635Ile (NM_001136113.2); c.1554G>A, p.Met518Ile (NM_001136114.2, NM_001353195.2, NM_001374691.1 and 2 more transcripts); c.1971G>A, p.Met657Ile (NM_001353193.2, NM_007171.4); c.1815G>A, p.Met605Ile (NM_001353196.2); c.1809G>A, p.Met603Ile (NM_001353197.2, NM_001353198.2); c.1620G>A, p.Met540Ile (NM_001353199.2); c.1449G>A, p.Met483Ile (NM_001353200.2); and 4 more; short protein forms M540I, M581I, M605I, M258I, M562I, M483I, M518I, M603I.
Identifiers: ClinVar variation 4783447 (VCV004783447.1).